The following is an entry in ClinVar:

NM_000297.4(PKD2):c.2408G>A (p.Arg803Gln)

Gene: PKD2 (polycystin 2, transient receptor potential cation channel; plus strand). Cytogenetic location: 4q22.1.
Variant type: single nucleotide variant.
Coding change: c.2408G>A on transcript NM_000297.4 (MANE Select); coding-DNA position 2408, G replaced by A.
Protein change: p.Arg803Gln; replaces arginine 803 with glutamine.
Molecular consequence: missense variant. On other transcripts: non-coding transcript variant (1).
Genome position (GRCh38, 1-based): chr4:88,067,947, G>A. VCF-style: chr4-88067947-G-A. GRCh37 (hg19) VCF-style: chr4-88989099-G-A.
Other names: c.2408G>A (NM_000297.3); short protein forms R803Q.
Identifiers: ClinVar variation 1047932 (VCV001047932.9), dbSNP rs771211716, ClinGen allele CA3004245.

ClinVar aggregate classification (germline): Uncertain significance. Review status: criteria provided, multiple submitters, no conflicts (2 of 4 stars). 3 submissions from 3 submitters: Uncertain significance (3). Last evaluated 2024-02-17.

Conditions:
Autosomal dominant polycystic kidney disease. Identifiers: Orphanet 730, MedGen C0085413, MONDO:0004691.
Polycystic kidney disease 2 (PKD2). Also called: POLYCYSTIC KIDNEY DISEASE, ADULT, TYPE II; Polycystic Kidney Disease 2, Autosomal Dominant; POLYCYSTIC KIDNEY DISEASE 2 WITH OR WITHOUT POLYCYSTIC LIVER DISEASE. Identifiers: MedGen C2751306, MONDO:0013131, OMIM 613095.
Inborn genetic diseases. Identifiers: MedGen C0950123, MeSH D030342.

Allele frequency attached by ClinVar (database versions not stated): gnomAD exomes 0.00001; ExAC 0.00002; gnomAD 0.00002 and 0.00003; TOPMed 0.00002.
gnomAD v4.1: 15 of 1,613,922 alleles (0.00093%); highest among the groups gnomAD compares: African/African-American, 0.0053%; no homozygotes.

Submissions (3):

Ambry Genetics
Classification: Uncertain significance for Inborn genetic diseases. Last evaluated: 2024-02-17. Review status: criteria provided, single submitter. Criteria: Ambry Variant Classification Scheme 2023. Collection method: clinical testing. Allele origin: germline.

Labcorp Genetics (formerly Invitae), Labcorp
Classification: Uncertain significance for Autosomal dominant polycystic kidney disease. Last evaluated: 2022-08-16. Review status: criteria provided, single submitter. Criteria: Invitae Variant Classification Sherloc (09022015). Collection method: clinical testing. Allele origin: germline.
Comment: ClinVar contains an entry for this variant (Variation ID: 1047932). This variant has not been reported in the literature in individuals affected with PKD2-related conditions. This variant is present in population databases (rs771211716, gnomAD 0.01%). This sequence change replaces arginine, which is basic and polar, with glutamine, which is neutral and polar, at codon 803 of the PKD2 protein (p.Arg803Gln). In summary, the available evidence is currently insufficient to determine the role of this variant in disease. Therefore, it has been classified as a Variant of Uncertain Significance. Algorithms developed to predict the effect of missense changes on protein structure and function are either unavailable or do not agree on the potential impact of this missense change (SIFT: "Deleterious"; PolyPhen-2: "Probably Damaging"; Align-GVGD: "Class C0").

Breda Genetics srl
Classification: Uncertain significance for Polycystic kidney disease 2. Last evaluated: 2020-12-22. Review status: criteria provided, single submitter. Criteria: ACMG Guidelines, 2015. Collection method: clinical testing. Allele origin: germline. Inheritance: Autosomal dominant inheritance. Affected: yes. Observed: 1 variant allele, 1 heterozygote.
Comment: The variant c.2408G>A (p.Arg803Gln) in the PKD2 gene is reported with an estimated allele frequency of 0.00001195 in gnomAD exomes and 0.00003185 in gnomAD genomes, with no homozygous individuals reported. The nucleotide position is highly conserved across 35 mammalian species (GERP RS: 5.68). In silico analysis mostly indicates that the variant might be damaging. Based on ACMG variant interpretation guidelines we classify this variant as uncertain; however we cannot exclude that it is a rare benign variant.